The following is an entry in ClinVar:

ClinVar aggregate classification (germline): Uncertain significance (1 of 4 stars; one submission).

Conditions:
Complex cortical dysplasia with other brain malformations 3. Identifiers: MedGen C3809414, MONDO:0014170, OMIM 615411.

Submission:

Dasa
Classification: Uncertain significance for Complex cortical dysplasia with other brain malformations 3. Last evaluated: 2025-05-27. Review status: criteria provided, single submitter. Criteria: DASA Assertion Criteria. Collection method: clinical testing. Allele origin: germline.
Comment: NM_001098511.3(KIF2A):c.655-3T>A is a splice-region variant predicted to affect normal RNA splicing. This variant is absent from population databases. Computational prediction algorithms are consistent with a deleterious effect. The currently available literature and clinical evidence are not sufficient to establish a definitive association between this variant and the reported condition. Therefore, this variant is classified as a variant of uncertain significance.

NM_001098511.3(KIF2A):c.655-3T>A

Gene: KIF2A (kinesin family member 2A; plus strand). Cytogenetic location: 5q12.1.
Variant type: single nucleotide variant.
Coding change: c.655-3T>A on transcript NM_001098511.3 (MANE Select); 3 bases into the intron before coding-DNA position 655, T replaced by A.
Molecular consequence: intron variant.
Genome position (GRCh38, 1-based): chr5:62,357,688, T>A. VCF-style: chr5-62357688-T-A. GRCh37 (hg19) VCF-style: chr5-61653515-T-A.
Other names: c.574-3T>A (NM_001243952.2); c.655-3T>A (NM_004520.5); c.598-3T>A (NM_001243953.2).
Identifiers: ClinVar variation 4881060 (VCV004881060.2).